The following is an entry in ClinVar:

NM_017654.4(SAMD9):c.937T>C (p.Phe313Leu)

Gene: SAMD9 (sterile alpha motif domain containing 9; minus strand). Cytogenetic location: 7q21.2.
Variant type: single nucleotide variant.
Coding change: c.937T>C on transcript NM_017654.4 (MANE Select); coding-DNA position 937, T replaced by C.
Protein change: p.Phe313Leu; replaces phenylalanine 313 with leucine.
Molecular consequence: missense variant.
Genome position (GRCh38, 1-based): chr7:93,105,161, A>G on the plus strand (T>C on the coding strand, the complement: SAMD9 is on the minus strand). VCF-style: chr7-93105161-A-G. GRCh37 (hg19) VCF-style: chr7-92734474-A-G.
Other names: c.937T>C, p.Phe313Leu (NM_001193307.2); short protein forms F313L.
Identifiers: ClinVar variation 3367672 (VCV003367672.2).
Genomic context (GRCh38, chr7:93,105,161, plus strand): 5'-ATATTTTGTTGTTGTAATTTTGCATTTTAATCTGGAAATAATCATATTGGCATTCAGAGA[A>G]CTGTGGAATAATGTCCACTTCAATAACAAATCTGTCAGATAGAGTACTATTTGGCAGTAA-3'
Protein context (NP_060124.2, residues 303-323): FVIEVDIIPQ[Phe313Leu]SECQYDYFQI

ClinVar aggregate classification (germline): Uncertain significance. Review status: criteria provided, multiple submitters, no conflicts (2 of 4 stars). 2 submissions from 2 submitters: Uncertain significance (2). Last evaluated 2025-03-31.

Conditions:
Inborn genetic diseases. Identifiers: MedGen C0950123, MeSH D030342.

gnomAD v4.1: 7 of 1,613,678 alleles (0.00043%); highest among the groups gnomAD compares: East Asian, 0.0022%; no homozygotes.

Submissions (2):

Ambry Genetics
Classification: Uncertain significance for Inborn genetic diseases. Last evaluated: 2025-03-31. Review status: criteria provided, single submitter. Criteria: Ambry Variant Classification Scheme 2023. Collection method: clinical testing. Allele origin: germline.
Comment: The p.F313L variant (also known as c.937T>C), located in coding exon 1 of the SAMD9 gene, results from a T to C substitution at nucleotide position 937. The phenylalanine at codon 313 is replaced by leucine, an amino acid with highly similar properties. This amino acid position is conserved. In addition, this alteration is predicted to be tolerated by in silico analysis. Based on the available evidence, the clinical significance of this variant remains unclear.

GeneDx
Classification: Uncertain significance. Last evaluated: 2024-01-10. Review status: criteria provided, single submitter. Criteria: GeneDx Variant Classification Process June 2021. Collection method: clinical testing. Allele origin: germline. Affected: yes.
Comment: Not observed at significant frequency in large population cohorts (gnomAD); In silico analysis supports that this missense variant does not alter protein structure/function; Has not been previously published as pathogenic or benign to our knowledge; This variant is associated with the following publications: (PMID: 28545555)